The following is an entry in ClinVar:

NM_000843.4(GRM6):c.194G>T (p.Gly65Val)

Gene: GRM6 (glutamate metabotropic receptor 6; minus strand). Cytogenetic location: 5q35.3.
Variant type: single nucleotide variant.
Coding change: c.194G>T on transcript NM_000843.4 (MANE Select); coding-DNA position 194, G replaced by T.
Protein change: p.Gly65Val; replaces glycine 65 with valine.
Molecular consequence: missense variant.
Genome position (GRCh38, 1-based): chr5:178,994,751, C>A on the plus strand (G>T on the coding strand, the complement: GRM6 is on the minus strand). VCF-style: chr5-178994751-C-A. GRCh37 (hg19) VCF-style: chr5-178421752-C-A.
Other names: short protein forms G65V.
Identifiers: ClinVar variation 2006190 (VCV002006190.4), dbSNP rs1188766917, ClinGen allele CA362436881.
Genomic context (GRCh38, chr5:178,994,751, plus strand): 5'-AGCTCGGGGTCGGCGTTGACGCGGTCCAGCGCGTACAGCATGGCCTCCAGCCGGTGCACG[C>A]CCTGCTCCTTCTTCAGCTGCCCGCACGCCCGGCCCGCCGCGCCCCGCGCGTGCACCGGGA-3'
Protein context (NP_000834.2, residues 55-75): RACGQLKKEQ[Gly65Val]VHRLEAMLYA

ClinVar aggregate classification (germline): Uncertain significance (1 of 4 stars; one submission).

Submission:

Labcorp Genetics (formerly Invitae), Labcorp
Classification: Uncertain significance. Last evaluated: 2022-06-14. Review status: criteria provided, single submitter. Criteria: Invitae Variant Classification Sherloc (09022015). Collection method: clinical testing. Allele origin: germline.
Comment: This sequence change replaces glycine, which is neutral and non-polar, with valine, which is neutral and non-polar, at codon 65 of the GRM6 protein (p.Gly65Val). Advanced modeling of protein sequence and biophysical properties (such as structural, functional, and spatial information, amino acid conservation, physicochemical variation, residue mobility, and thermodynamic stability) performed at Invitae indicates that this missense variant is expected to disrupt GRM6 protein function. This variant has not been reported in the literature in individuals affected with GRM6-related conditions. This variant is not present in population databases (gnomAD no frequency). In summary, the available evidence is currently insufficient to determine the role of this variant in disease. Therefore, it has been classified as a Variant of Uncertain Significance.